The following is an entry in ClinVar:

ClinVar aggregate classification (germline): Pathogenic. Review status: criteria provided, multiple submitters, no conflicts (2 of 4 stars). 3 submissions from 3 submitters: Pathogenic (2). 1 of the submissions does not count toward it. Last evaluated 2026-01-15.

Conditions:
Dilated cardiomyopathy 1G (CMD1G). Identifiers: Orphanet 154, MedGen C1858763, MONDO:0011400, OMIM 604145.
Autosomal recessive limb-girdle muscular dystrophy type 2J (LGMDR10). Also called: MUSCULAR DYSTROPHY, LIMB-GIRDLE, AUTOSOMAL RECESSIVE 10; Limb-girdle muscular dystrophy, type 2J. Identifiers: Orphanet 140922, MedGen C1837342, MONDO:0012127, OMIM 608807.

Submissions (3):

Labcorp Genetics (formerly Invitae), Labcorp
Classification: Pathogenic for Dilated cardiomyopathy 1G; Autosomal recessive limb-girdle muscular dystrophy type 2J. Last evaluated: 2026-01-15. Review status: criteria provided, single submitter. Criteria: Invitae Variant Classification Sherloc (09022015). Collection method: clinical testing. Allele origin: germline.
Comment: This sequence change creates a premature translational stop signal (p.Trp16471*) in the TTN gene. While this is not anticipated to result in nonsense mediated decay, it is expected to create a truncated TTN protein. This variant is not present in population databases (gnomAD no frequency). This premature translational stop signal has been observed in individuals with dilated cardiomyopathy (internal data). ClinVar contains an entry for this variant (Variation ID: 265700). This variant is located in the A band of TTN (PMID: 25589632). Truncating variants in this region are significantly overrepresented in patients affected with dilated cardiomyopathy (PMID: 25589632). Truncating variants in this region have also been reported in individuals affected with autosomal recessive centronuclear myopathy (PMID: 23975875). For these reasons, this variant has been classified as Pathogenic.

GeneDx
Classification: Pathogenic. Last evaluated: 2023-05-15. Review status: criteria provided, single submitter. Criteria: GeneDx Variant Classification Process June 2021. Collection method: clinical testing. Allele origin: germline. Affected: yes.
Comment: Nonsense variant predicted to result in protein truncation or nonsense mediated decay in a gene for which loss of function is a known mechanism of disease; Located in the A-band region of TTN in which the majority of loss of function variants have been associated with autosomal dominant titinopathies (Herman et al., 2012); Not observed at significant frequency in large population cohorts (gnomAD); Has not been previously published as pathogenic or benign to our knowledge

Cardiogenetics and Myogenetics Molecular and Cellular Functional Unit, Aphp Sorbonne University-Hopital Pitie Salpetriere
Classification: Likely pathogenic for Dilated cardiomyopathy 1G. Last evaluated: 2024-01-06. Review status: no assertion criteria provided. Collection method: clinical testing. Allele origin: germline. Affected: yes. Not counted in ClinVar's aggregate classification.

Literature cited by the submitters: PubMed 25589632 (cited by Labcorp Genetics (formerly Invitae), Labcorp); PubMed 23975875 (cited by Labcorp Genetics (formerly Invitae), Labcorp).

NM_001267550.2(TTN):c.49413G>A (p.Trp16471Ter)

Genes: TTN (titin; minus strand), TTN-AS1 (TTN antisense RNA 1; plus strand). Cytogenetic location: 2q31.2.
Variant type: single nucleotide variant.
Coding change: c.49413G>A on transcript NM_001267550.2 (MANE Select); coding-DNA position 49413, G replaced by A.
Protein change: p.Trp16471Ter; replaces tryptophan 16471 with a stop codon.
Molecular consequence: nonsense.
Genome position (GRCh38, 1-based): chr2:178,613,870, C>T on the plus strand (G>A on the coding strand, the complement: TTN is on the minus strand). VCF-style: chr2-178613870-C-T. GRCh37 (hg19) VCF-style: chr2-179478597-C-T.
Other names: c.44490G>A, p.Trp14830Ter (NM_001256850.1); c.22218G>A, p.Trp7406Ter (NM_003319.4); c.41709G>A, p.Trp13903Ter (NM_133378.4); c.22593G>A, p.Trp7531Ter (NM_133432.3); c.22794G>A, p.Trp7598Ter (NM_133437.4); c.49413G>A (NM_001267550.1); short protein forms W14830*, W16471*, W13903*, W7531*, W7598*, W7406*.
Identifiers: ClinVar variation 265700 (VCV000265700.12), dbSNP rs202094100, ClinGen allele CA10588327.